The following is an entry in ClinVar:

ClinVar aggregate classification (germline): Uncertain significance (1 of 4 stars; one submission).

Conditions:
Cardiovascular phenotype. Identifiers: MedGen CN230736.

Submission:

Ambry Genetics
Classification: Uncertain significance for Cardiovascular phenotype. Last evaluated: 2026-08-10. Review status: criteria provided, single submitter. Criteria: Ambry Variant Classification Scheme 2023. Collection method: clinical testing. Allele origin: germline.
Comment: The p.Y321F variant (also known as c.962A>T), located in coding exon 6 of the ABCG8 gene, results from an A to T substitution at nucleotide position 962. The tyrosine at codon 321 is replaced by phenylalanine, an amino acid with highly similar properties. This amino acid position is conserved. In addition, this alteration is predicted to be tolerated by in silico analysis. Based on the available evidence, the clinical significance of this variant remains unclear.

NM_022437.3(ABCG8):c.962A>T (p.Tyr321Phe)

Gene: ABCG8 (ATP binding cassette subfamily G member 8; plus strand). Cytogenetic location: 2p21.
Variant type: single nucleotide variant.
Coding change: c.962A>T on transcript NM_022437.3 (MANE Select); coding-DNA position 962, A replaced by T.
Protein change: p.Tyr321Phe; replaces tyrosine 321 with phenylalanine.
Molecular consequence: missense variant.
Genome position (GRCh38, 1-based): chr2:43,852,866, A>T. VCF-style: chr2-43852866-A-T. GRCh37 (hg19) VCF-style: chr2-44080005-A-T.
Other names: c.962A>T, p.Tyr321Phe (NM_001357321.2); short protein forms Y321F.
Identifiers: ClinVar variation 5027783 (VCV005027783.1).
Genomic context (GRCh38, chr2:43,852,866, plus strand): 5'-TCCAGTATTTCACAGCCATCGGCTACCCCTGTCCTCGCTACAGCAATCCTGCTGACTTCT[A>T]TGGTGAGTCCCCAAGGCCAGCAGCCAGGGCCCTGGCACACAGGGCCTCCCCGATGCTTAA-3'
Protein context (NP_071882.1, residues 311-331): CPRYSNPADF[Tyr321Phe]VDLTSIDRRS